The following is an entry in ClinVar:

ClinVar aggregate classification (germline): Uncertain significance. Review status: criteria provided, multiple submitters, no conflicts (2 of 4 stars). 2 submissions from 2 submitters: Uncertain significance (2). Last evaluated 2025-01-27.

Conditions:
Inborn genetic diseases. Identifiers: MedGen C0950123, MeSH D030342.

Allele frequency attached by ClinVar (database versions not stated): gnomAD exomes below 0.00001 and 0.00001; gnomAD 0.00001.
gnomAD v4.1: 6 of 1,613,662 alleles (0.00037%); highest among the groups gnomAD compares: African/African-American, 0.008%; no homozygotes.

Submissions (2):

Ambry Genetics
Classification: Uncertain significance for Inborn genetic diseases. Last evaluated: 2025-01-27. Review status: criteria provided, single submitter. Criteria: Ambry Variant Classification Scheme 2023. Collection method: clinical testing. Allele origin: germline.
Comment: The p.A1434V variant (also known as c.4301C>T), located in coding exon 43 of the FANCA gene, results from a C to T substitution at nucleotide position 4301. The alanine at codon 1434 is replaced by valine, an amino acid with similar properties. This amino acid position is conserved. In addition, this alteration is predicted to be tolerated by in silico analysis. Based on the available evidence, the clinical significance of this variant remains unclear.

Mayo Clinic Laboratories, Mayo Clinic
Classification: Uncertain significance. Last evaluated: 2021-05-17. Review status: criteria provided, single submitter. Criteria: ACMG Guidelines, 2015. Collection method: clinical testing. Allele origin: germline.

NM_000135.4(FANCA):c.4301C>T (p.Ala1434Val)

Genes: FANCA (FA complementation group A; minus strand), ZNF276 (zinc finger protein 276; plus strand). Cytogenetic location: 16q24.3.
Variant type: single nucleotide variant.
Coding change: c.4301C>T on transcript NM_000135.4 (MANE Select); coding-DNA position 4301, C replaced by T.
Protein change: p.Ala1434Val; replaces alanine 1434 with valine.
Molecular consequence: missense variant. On other transcripts: 3 prime UTR variant (3), non-coding transcript variant (4).
Genome position (GRCh38, 1-based): chr16:89,738,668, G>A on the plus strand (C>T on the coding strand, the complement: FANCA is on the minus strand). VCF-style: chr16-89738668-G-A. GRCh37 (hg19) VCF-style: chr16-89805076-G-A.
Other names: p.Ala1434Val; c.*30C>T (NM_001286167.3); c.*422G>A (NM_001113525.2, NM_152287.4); short protein forms A1434V.
Identifiers: ClinVar variation 1693688 (VCV001693688.5), dbSNP rs1047662111, ClinGen allele CA286613851.